The following is an entry in ClinVar:

NM_025247.6(ACAD10):c.1520C>G (p.Ser507Cys)

Gene: ACAD10 (acyl-CoA dehydrogenase family member 10; plus strand). Cytogenetic location: 12q24.12.
Variant type: single nucleotide variant.
Coding change: c.1520C>G on transcript NM_025247.6 (MANE Select); coding-DNA position 1520, C replaced by G.
Protein change: p.Ser507Cys; replaces serine 507 with cysteine.
Molecular consequence: missense variant.
Genome position (GRCh38, 1-based): chr12:111,734,048, C>G. VCF-style: chr12-111734048-C-G. GRCh37 (hg19) VCF-style: chr12-112171852-C-G.
Other names: c.1613C>G, p.Ser538Cys (NM_001136538.2); short protein forms S507C, S538C.
Identifiers: ClinVar variation 2643332 (VCV002643332.24), dbSNP rs2542285585, ClinGen allele CA386739640.
Genomic context (GRCh38, chr12:111,734,048, plus strand): 5'-CTACCTTGGGCGACCCCCTTGCTGATGTGGCCTACAGCTGCCTGGCTCATTACCTGCCAT[C>G]CAGTTTTCCCGTGCTGAGAGGTAGGAACTGCTGCTGGAGGATAGTGGGGGAGCAAGCCAG-3'
Protein context (NP_079523.3, residues 497-517): AYSCLAHYLP[Ser507Cys]SFPVLRGIND

ClinVar aggregate classification (germline): Uncertain significance (1 of 4 stars; one submission).

Submission:

CeGaT Center for Human Genetics Tuebingen
Classification: Uncertain significance. Last evaluated: 2022-12-01. Review status: criteria provided, single submitter. Criteria: CeGaT Center For Human Genetics Tuebingen Variant Classification Criteria Version 2. Collection method: clinical testing. Allele origin: germline. Affected: yes. Observed: 1 variant allele.
Comment: ACAD10: PM2, BP4